The following is an entry in ClinVar:

ClinVar aggregate classification (germline): Uncertain significance (1 of 4 stars; one submission).

Submission:

CeGaT Center for Human Genetics Tuebingen
Classification: Uncertain significance. Last evaluated: 2024-01-01. Review status: criteria provided, single submitter. Criteria: CeGaT Center For Human Genetics Tuebingen Variant Classification Criteria Version 2. Collection method: clinical testing. Allele origin: germline. Affected: yes. Observed: 1 variant allele.
Comment: SYNE1: PM2, BP4

NM_182961.4(SYNE1):c.14899C>T (p.Leu4967Phe)

Gene: SYNE1 (spectrin repeat containing nuclear envelope protein 1; minus strand). Cytogenetic location: 6q25.2.
Variant type: single nucleotide variant.
Coding change: c.14899C>T on transcript NM_182961.4 (MANE Select); coding-DNA position 14899, C replaced by T.
Protein change: p.Leu4967Phe; replaces leucine 4967 with phenylalanine.
Molecular consequence: missense variant.
Genome position (GRCh38, 1-based): chr6:152,329,786, G>A on the plus strand (C>T on the coding strand, the complement: SYNE1 is on the minus strand). VCF-style: chr6-152329786-G-A. GRCh37 (hg19) VCF-style: chr6-152650921-G-A.
Other names: c.14686C>T, p.Leu4896Phe (NM_033071.5); short protein forms L4896F, L4967F.
Identifiers: ClinVar variation 3026834 (VCV003026834.22), dbSNP rs2485077905, ClinGen allele CA366095962.
Genomic context (GRCh38, chr6:152,329,786, plus strand): 5'-CCACCTGTCTGGTGCGTAAGGCTTCCTGGATGTCTCCATCCAGCTCTGAGAGCTCAGCGA[G>A]GCTGTGTTCTAAATCCGCAGAAATCAGCTCCTTGGCCTTTGTGAACTTCTCCTTTTCCTT-3'
Protein context (NP_892006.3, residues 4957-4977): ELISADLEHS[Leu4967Phe]AELSELDGDI